The following is an entry in ClinVar:

ClinVar aggregate classification (germline): Uncertain significance (1 of 4 stars; one submission).

Conditions:
Epidermolysis bullosa simplex with nail dystrophy (EBS5D). Identifiers: MedGen C4225309, MONDO:0014661, OMIM 616487.
Epidermolysis bullosa simplex, Ogna type (EBS5A). Also called: Pidermolysis bullosa simplex 5A, Ogna type; EPIDERMOLYSIS BULLOSA SIMPLEX 5A, OGNA TYPE. Identifiers: Orphanet 79401, MedGen C0432317, MONDO:0007555, OMIM 131950.
Autosomal recessive limb-girdle muscular dystrophy type 2Q (LGMDR17). Also called: MUSCULAR DYSTROPHY, LIMB-GIRDLE, AUTOSOMAL RECESSIVE 17. Identifiers: Orphanet 254361, MedGen C3150989, MONDO:0013390, OMIM 613723.
Epidermolysis bullosa simplex 5C, with pyloric atresia (EBS5C). Also called: PLEC-Related Epidermolysis Bullosa with Pyloric Atresia; Epidermolysis bullosa simplex with pyloric atresia; PLEC1-Related Epidermolysis Bullosa with Pyloric Atresia. Identifiers: Orphanet 158684, MedGen C2677349, MONDO:0012807, OMIM 612138.
Epidermolysis bullosa simplex 5B, with muscular dystrophy (EBS5B). Also called: EPIDERMOLYSIS BULLOSA SIMPLEX AND LIMB-GIRDLE MUSCULAR DYSTROPHY; Epidermolysis bullosa simplex with muscular dystrophy. Identifiers: Orphanet 257, MedGen C2931072, MONDO:0009181, OMIM 226670.

Allele frequency attached by ClinVar (database versions not stated): gnomAD exomes below 0.00001 and 0.00002; ExAC 0.00002; TOPMed 0.00002; ESP Exome Variant Server 0.00008.
gnomAD v4.1: 22 of 1,598,210 alleles (0.0014%); highest among the groups gnomAD compares: Non-Finnish European, 0.0019%; no homozygotes.

Submission:

Labcorp Genetics (formerly Invitae), Labcorp
Classification: Uncertain significance for Autosomal recessive limb-girdle muscular dystrophy type 2Q; Epidermolysis bullosa simplex, Ogna type; Epidermolysis bullosa simplex with nail dystrophy; Epidermolysis bullosa simplex 5C, with pyloric atresia; Epidermolysis bullosa simplex 5B, with muscular dystrophy. Last evaluated: 2019-05-09. Review status: criteria provided, single submitter. Criteria: Invitae Variant Classification Sherloc (09022015). Collection method: clinical testing. Allele origin: germline.
Comment: In summary, this variant is a rare missense change that is not predicted to affect protein function. There is no indication that it causes disease, but the available evidence is currently insufficient to prove that conclusively. Therefore, it has been classified as a Variant of Uncertain Significance. Algorithms developed to predict the effect of missense changes on protein structure and function output the following: SIFT: "Tolerated"; PolyPhen-2: "Unknown"; Align-GVGD: "Class C0". The valine amino acid residue is found in multiple mammalian species, suggesting that this missense change does not adversely affect protein function. These predictions have not been confirmed by published functional studies. This variant is present in population databases (rs376082569, ExAC 0.02%) but has not been reported in the literature in individuals with a PLEC-related disease. This sequence change replaces alanine with valine at codon 1142 of the PLEC protein (p.Ala1142Val). The alanine residue is moderately conserved and there is a small physicochemical difference between alanine and valine.

NM_201384.3(PLEC):c.3344C>T (p.Ala1115Val)

Gene: PLEC (plectin; minus strand). Cytogenetic location: 8q24.3.
Variant type: single nucleotide variant.
Coding change: c.3344C>T on transcript NM_201384.3 (MANE Select); coding-DNA position 3344, C replaced by T.
Protein change: p.Ala1115Val; replaces alanine 1115 with valine.
Molecular consequence: missense variant.
Genome position (GRCh38, 1-based): chr8:143,927,909, G>A on the plus strand (C>T on the coding strand, the complement: PLEC is on the minus strand). VCF-style: chr8-143927909-G-A. GRCh37 (hg19) VCF-style: chr8-145002077-G-A.
Other names: c.3425C>T, p.Ala1142Val (NM_000445.5); c.3302C>T, p.Ala1101Val (NM_201378.4); c.3278C>T, p.Ala1093Val (NM_201379.3); c.3755C>T, p.Ala1252Val (NM_201380.4); c.3248C>T, p.Ala1083Val (NM_201381.3); c.3344C>T, p.Ala1115Val (NM_201382.4); c.3356C>T, p.Ala1119Val (NM_201383.3); short protein forms A1252V, A1119V, A1093V, A1115V, A1083V, A1101V, A1142V.
Identifiers: ClinVar variation 471573 (VCV000471573.8), dbSNP rs376082569, ClinGen allele CA4927119.
Genomic context (GRCh38, chr8:143,927,909, plus strand): 5'-GATACCTTCAGAGAGGCCTTGGTGGCCTCGAGCTCCGGGAGGGTGGCCGGCACGGCCTGG[G>A]CCTCCTTGAGCTGCTCCTCGTGGGCCCTGAGCACCTCCTCGGCCCCCTGCGTGCCGCGGA-3'
Protein context (NP_958786.1, residues 1105-1125): LRAHEEQLKE[Ala1115Val]QAVPATLPEL